The following is an entry in ClinVar:

NM_018979.4(WNK1):c.4529G>A (p.Ser1510Asn)

Gene: WNK1 (WNK lysine deficient protein kinase 1; plus strand). Cytogenetic location: 12p13.33.
Variant type: single nucleotide variant.
Coding change: c.4529G>A on transcript NM_018979.4 (MANE Select); coding-DNA position 4529, G replaced by A.
Protein change: p.Ser1510Asn; replaces serine 1510 with asparagine.
Molecular consequence: missense variant.
Genome position (GRCh38, 1-based): chr12:885,333, G>A. VCF-style: chr12-885333-G-A. GRCh37 (hg19) VCF-style: chr12-994499-G-A.
Other names: c.5309G>A, p.Ser1770Asn (NM_001184985.2); c.3788G>A, p.Ser1263Asn (NM_014823.3); c.5285G>A, p.Ser1762Asn (NM_213655.5); short protein forms S1263N, S1510N, S1762N, S1770N.
Identifiers: ClinVar variation 2429524 (VCV002429524.3), dbSNP rs2549046627, ClinGen allele CA383331408.
Genomic context (GRCh38, chr12:885,333, plus strand): 5'-CATCAGTTTCTACCACCACTTCATTCCCAAGCACAGCTTCACAGCTGTGCATTCAGCTTA[G>A]CAGCAGTACTTCTACTCCTACTTTAGCTGAAACCGTGGTAGTTAGCGCACACTCACTAGA-3'
Protein context (NP_061852.3, residues 1500-1520): STASQLCIQL[Ser1510Asn]SSTSTPTLAE

ClinVar aggregate classification (germline): Uncertain significance. Review status: criteria provided, multiple submitters, no conflicts (2 of 4 stars). 2 submissions from 2 submitters: Uncertain significance (2). Last evaluated 2024-10-24.

Conditions:
Neuropathy, hereditary sensory and autonomic, type 2A (HSAN2A). Also called: ACROOSTEOLYSIS, GIACCAI TYPE; ACROOSTEOLYSIS, NEUROGENIC; MORVAN DISEASE; NEUROPATHY, CONGENITAL SENSORY; NEUROPATHY, HEREDITARY SENSORY RADICULAR, AUTOSOMAL RECESSIVE; NEUROPATHY, HEREDITARY SENSORY, TYPE IIA. Identifiers: Orphanet 970, MedGen C2752089, MONDO:0024309, OMIM 201300.
Pseudohypoaldosteronism type 2C (PHA2C). Also called: Pseudohypoaldosteronism Type IIC. Identifiers: Orphanet 757, Orphanet 88940, MedGen C1840391, MONDO:0013778, OMIM 614492.

Allele frequency attached by ClinVar (database versions not stated): gnomAD exomes below 0.00001.
gnomAD v4.1: 3 of 1,614,114 alleles (0.00019%); highest among the groups gnomAD compares: Non-Finnish European, 0.00025%; no homozygotes.

Submissions (2):

Labcorp Genetics (formerly Invitae), Labcorp
Classification: Uncertain significance for Neuropathy, hereditary sensory and autonomic, type 2A; Pseudohypoaldosteronism type 2C. Last evaluated: 2024-10-24. Review status: criteria provided, single submitter. Criteria: Invitae Variant Classification Sherloc (09022015). Collection method: clinical testing. Allele origin: germline.
Comment: This sequence change replaces serine, which is neutral and polar, with asparagine, which is neutral and polar, at codon 1762 of the WNK1 protein (p.Ser1762Asn). This variant is not present in population databases (gnomAD no frequency). This variant has not been reported in the literature in individuals affected with WNK1-related conditions. ClinVar contains an entry for this variant (Variation ID: 2429524). Invitae Evidence Modeling of protein sequence and biophysical properties (such as structural, functional, and spatial information, amino acid conservation, physicochemical variation, residue mobility, and thermodynamic stability) indicates that this missense variant is not expected to disrupt WNK1 protein function with a negative predictive value of 95%. In summary, the available evidence is currently insufficient to determine the role of this variant in disease. Therefore, it has been classified as a Variant of Uncertain Significance.

GeneDx
Classification: Uncertain significance. Last evaluated: 2022-08-08. Review status: criteria provided, single submitter. Criteria: GeneDx Variant Classification Process June 2021. Collection method: clinical testing. Allele origin: germline. Affected: yes.
Comment: Not observed at significant frequency in large population cohorts (gnomAD); In silico analysis supports that this missense variant does not alter protein structure/function; Has not been previously published as pathogenic or benign to our knowledge